The following is an entry in ClinVar:

NM_001693.4(ATP6V1B2):c.1266+4T>G

Gene: ATP6V1B2 (ATPase H+ transporting V1 subunit B2; plus strand). Cytogenetic location: 8p21.3.
Variant type: single nucleotide variant.
Coding change: c.1266+4T>G on transcript NM_001693.4 (MANE Select); 4 bases into the intron after coding-DNA position 1266, T replaced by G.
Molecular consequence: intron variant.
Genome position (GRCh38, 1-based): chr8:20,217,328, T>G. VCF-style: chr8-20217328-T-G. GRCh37 (hg19) VCF-style: chr8-20074839-T-G.
Identifiers: ClinVar variation 3250938 (VCV003250938.18), dbSNP rs1192843237.
Genomic context (GRCh38, chr8:20,217,328, plus strand): 5'-TCTGCTATTGGAGAAGGGATGACCAGGAAGGATCATGCCGATGTATCTAACCAGCTAGTA[T>G]GTACATTCTTCTAAGAATGGTGTTTGAAAATATGGATACGTTTCTGCTGTCTTACACCTC-3'

ClinVar aggregate classification (germline): Uncertain significance (1 of 4 stars; one submission).

Allele frequency attached by ClinVar (database versions not stated): TOPMed below 0.00001.
gnomAD v4.1: 10 of 1,597,580 alleles (0.00063%); highest among the groups gnomAD compares: Non-Finnish European, 0.00086%; no homozygotes.

Submission:

CeGaT Center for Human Genetics Tuebingen
Classification: Uncertain significance. Last evaluated: 2024-06-01. Review status: criteria provided, single submitter. Criteria: CeGaT Center For Human Genetics Tuebingen Variant Classification Criteria Version 2. Collection method: clinical testing. Allele origin: germline. Affected: yes. Observed: 1 variant allele.
Comment: ATP6V1B2: PM2, PP3